The following is an entry in ClinVar:

ClinVar aggregate classification (germline): Likely benign (0 of 4 stars; one submission).

Conditions:
IFT74-related disorder. Also called: IFT74-related condition; IFT74-Related Disorders.

Submission:

PreventionGenetics, part of Exact Sciences
Classification: Likely benign for IFT74-related condition. Last evaluated: 2020-01-28. Review status: no assertion criteria provided. Collection method: clinical testing. Allele origin: germline.
Comment: This variant is classified as likely benign based on ACMG/AMP sequence variant interpretation guidelines (Richards et al. 2015 PMID: 25741868, with internal and published modifications).

NM_025103.4(IFT74):c.1674G>C (p.Ala558=)

Gene: IFT74 (intraflagellar transport 74; plus strand). Cytogenetic location: 9p21.2.
Variant type: single nucleotide variant.
Coding change: c.1674G>C on transcript NM_025103.4 (MANE Select); coding-DNA position 1674, G replaced by C.
Protein change: p.Ala558=; no amino-acid change (alanine 558 retained).
Molecular consequence: synonymous variant.
Genome position (GRCh38, 1-based): chr9:27,060,641, G>C. VCF-style: chr9-27060641-G-C. GRCh37 (hg19) VCF-style: chr9-27060639-G-C.
Other names: c.1674G>C, p.Ala558= (NM_001099222.3, NM_001099223.3, NM_001349928.2).
Identifiers: ClinVar variation 3349913 (VCV003349913.1).